The following is an entry in ClinVar:

NM_001148.6(ANK2):c.1139T>C (p.Val380Ala)

Gene: ANK2 (ankyrin 2; plus strand). Cytogenetic location: 4q26.
Variant type: single nucleotide variant.
Coding change: c.1139T>C on transcript NM_001148.6 (MANE Select); coding-DNA position 1139, T replaced by C.
Protein change: p.Val380Ala; replaces valine 380 with alanine.
Molecular consequence: missense variant.
Genome position (GRCh38, 1-based): chr4:113,255,883, T>C. VCF-style: chr4-113255883-T-C. GRCh37 (hg19) VCF-style: chr4-114177039-T-C.
Other names: c.1076T>C, p.Val359Ala (NM_001354243.2, NM_001354254.2, NM_001127493.3 and 14 more transcripts); c.1139T>C, p.Val380Ala (NM_001354225.2, NM_001354228.2, NM_001354232.2 and 9 more transcripts); c.1184T>C, p.Val395Ala (NM_001354230.2, NM_001354231.2, NM_001354237.2 and 5 more transcripts); c.1052T>C, p.Val351Ala (NM_001354266.2, NM_001354267.2, NM_001354249.2 and 16 more transcripts); c.1127T>C, p.Val376Ala (NM_001354269.3, NM_001386148.2, NM_001386186.2); c.1097T>C, p.Val366Ala (NM_001354261.2, NM_001386147.1, NM_001386160.1); c.1190T>C, p.Val397Ala (NM_001386174.1); c.1166T>C, p.Val389Ala (NM_001386175.1); and 1 more; short protein forms V359A, V380A, V395A, V351A, V366A, V376A, V368A, V389A.
Identifiers: ClinVar variation 949569 (VCV000949569.7), dbSNP rs1478665074, ClinGen allele CA357926982.
Genomic context (GRCh38, chr4:113,255,883, plus strand): 5'-ATGTCACCCTAGACTACCTGACAGCCCTCCACGTTGCTGCGCACTGTGGCCACTACCGTG[T>C]AACCAAACTCCTTTTAGACAAGAGAGCCAATCCGAACGCCAGAGCCCTGGTAAACTTGGC-3'
Protein context (NP_001139.3, residues 370-390): HVAAHCGHYR[Val380Ala]TKLLLDKRAN

ClinVar aggregate classification (germline): Uncertain significance. Review status: criteria provided, multiple submitters, no conflicts (2 of 4 stars). 2 submissions from 2 submitters: Uncertain significance (2). Last evaluated 2025-12-08.

Conditions:
Long QT syndrome (LQTS). Identifiers: MedGen C0023976, MeSH D008133, MONDO:0002442. Disease mechanism: loss of function. Inheritance: Various modes of inheritance.
Cardiovascular phenotype. Identifiers: MedGen CN230736.

Allele frequency attached by ClinVar (database versions not stated): TOPMed below 0.00001; gnomAD 0.00001.

Submissions (2):

Labcorp Genetics (formerly Invitae), Labcorp
Classification: Uncertain significance for Long QT syndrome. Last evaluated: 2025-12-08. Review status: criteria provided, single submitter. Criteria: Invitae Variant Classification Sherloc (09022015). Collection method: clinical testing. Allele origin: germline.
Comment: This sequence change replaces valine, which is neutral and non-polar, with alanine, which is neutral and non-polar, at codon 380 of the ANK2 protein (p.Val380Ala). This variant is not present in population databases (gnomAD no frequency). This variant has not been reported in the literature in individuals affected with ANK2-related conditions. ClinVar contains an entry for this variant (Variation ID: 949569). Invitae Evidence Modeling of protein sequence and biophysical properties (such as structural, functional, and spatial information, amino acid conservation, physicochemical variation, residue mobility, and thermodynamic stability) indicates that this missense variant is not expected to disrupt ANK2 protein function with a negative predictive value of 80%. In summary, the available evidence is currently insufficient to determine the role of this variant in disease. Therefore, it has been classified as a Variant of Uncertain Significance.

Ambry Genetics
Classification: Uncertain significance for Cardiovascular phenotype. Last evaluated: 2025-10-05. Review status: criteria provided, single submitter. Criteria: Ambry Variant Classification Scheme 2023. Collection method: clinical testing. Allele origin: germline.
Comment: The p.V380A variant (also known as c.1139T>C), located in coding exon 11 of the ANK2 gene, results from a T to C substitution at nucleotide position 1139. The valine at codon 380 is replaced by alanine, an amino acid with similar properties. This amino acid position is conserved. In addition, the in silico prediction for this alteration is inconclusive. Based on the available evidence, the clinical significance of this variant remains unclear.